The following is an entry in ClinVar:

NM_024105.4(ALG12):c.1425G>C (p.Gln475His)

Gene: ALG12 (ALG12 alpha-1,6-mannosyltransferase; minus strand). Cytogenetic location: 22q13.33.
Variant type: single nucleotide variant.
Coding change: c.1425G>C on transcript NM_024105.4 (MANE Select); coding-DNA position 1425, G replaced by C.
Protein change: p.Gln475His; replaces glutamine 475 with histidine.
Molecular consequence: missense variant.
Genome position (GRCh38, 1-based): chr22:49,903,880, C>G on the plus strand (G>C on the coding strand, the complement: ALG12 is on the minus strand). VCF-style: chr22-49903880-C-G. GRCh37 (hg19) VCF-style: chr22-50297528-C-G.
Other names: c.1425G>C (NM_024105.3); short protein forms Q475H.
Identifiers: ClinVar variation 376929 (VCV000376929.9), dbSNP rs147000290, ClinGen allele CA10300218.
Genomic context (GRCh38, chr22:49,903,880, plus strand): 5'-AGGGCTGCCTGGTCCCCCTCAGGACGGCCGGGGGAGCCTCTCCAGAAGCACCAGCTTTGT[C>G]TGCAGGTGGACGTTGAAGGGGGGCAGTTGGGTCAGGTTCAGACTCACACCTGTGGTCCCC-3'
Protein context (NP_077010.1, residues 465-485): TQLPPFNVHL[Gln475His]TKLVLLERLP

ClinVar aggregate classification (germline): Uncertain significance. Review status: criteria provided, multiple submitters, no conflicts (2 of 4 stars). 5 submissions from 5 submitters: Uncertain significance (5). Last evaluated 2026-02-18.

Conditions:
Inborn genetic diseases. Identifiers: MedGen C0950123, MeSH D030342.
ALG12-congenital disorder of glycosylation (CDG1G). Also called: Congenital disorder of glycosylation, type Ig; CDG Ig; ALG12-CDG. Identifiers: Orphanet 79324, MedGen C2931001, MONDO:0011783, OMIM 607143.

Allele frequency attached by ClinVar (database versions not stated): gnomAD exomes 0.00003 and 0.00010; ExAC 0.00010; TOPMed 0.00032; gnomAD 0.00034 and 0.00036; ESP Exome Variant Server 0.00038; 1000 Genomes Project 0.00080; 1000 Genomes Project 30x 0.00094.
gnomAD v4.1: 97 of 1,614,270 alleles (0.006%); highest among the groups gnomAD compares: African/African-American, 0.12%; no homozygotes.

Submissions (5):

GeneDx
Classification: Uncertain significance. Last evaluated: 2026-02-18. Review status: criteria provided, single submitter. Criteria: GeneDx Variant Classification Process June 2021. Collection method: clinical testing. Allele origin: germline.
Comment: In silico analysis suggests that this missense variant does not alter protein structure/function; Has not been previously published as pathogenic or benign to our knowledge

Ambry Genetics
Classification: Uncertain significance for Inborn genetic diseases. Last evaluated: 2025-08-25. Review status: criteria provided, single submitter. Criteria: Ambry Variant Classification Scheme 2023. Collection method: clinical testing. Allele origin: germline.

Labcorp Genetics (formerly Invitae), Labcorp
Classification: Uncertain significance for ALG12-congenital disorder of glycosylation. Last evaluated: 2022-09-13. Review status: criteria provided, single submitter. Criteria: Invitae Variant Classification Sherloc (09022015). Collection method: clinical testing. Allele origin: germline.
Comment: This sequence change replaces glutamine, which is neutral and polar, with histidine, which is basic and polar, at codon 475 of the ALG12 protein (p.Gln475His). This variant is present in population databases (rs147000290, gnomAD 0.1%). This variant has not been reported in the literature in individuals affected with ALG12-related conditions. ClinVar contains an entry for this variant (Variation ID: 376929). Algorithms developed to predict the effect of missense changes on protein structure and function (SIFT, PolyPhen-2, Align-GVGD) all suggest that this variant is likely to be tolerated. In summary, the available evidence is currently insufficient to determine the role of this variant in disease. Therefore, it has been classified as a Variant of Uncertain Significance.

Center for Pediatric Genomic Medicine, Children's Mercy Hospital and Clinics
Classification: Uncertain significance. Last evaluated: 2017-01-02. Review status: criteria provided, single submitter. Criteria: ACMG Guidelines, 2015. Collection method: clinical testing. Allele origin: germline.
ClinVar note: Converted during submission from Uncertain Significance to Uncertain significance.

Breakthrough Genomics
Classification: Uncertain significance. Review status: criteria provided, single submitter. Criteria: ACMG Guidelines, 2015. Collection method: not provided. Allele origin: germline. Inheritance: Autosomal dominant inheritance. Affected: yes.